The following is an entry in ClinVar:

ClinVar aggregate classification (germline): Benign (0 of 4 stars; one submission).

Conditions:
PTPRD-related disorder. Also called: PTPRD-related condition.

Allele frequency attached by ClinVar (database versions not stated): ExAC 0.01576; gnomAD 0.05038; 1000 Genomes Project 0.05351; ESP Exome Variant Server 0.05544; 1000 Genomes Project 30x 0.05700; TOPMed 0.05730.
gnomAD v4.1: 15,121 of 1,613,810 alleles (0.94%); highest among the groups gnomAD compares: African/African-American, 17%; 1,179 homozygotes.

Submission:

PreventionGenetics, part of Exact Sciences
Classification: Benign for PTPRD-related condition. Last evaluated: 2019-07-31. Review status: no assertion criteria provided. Collection method: clinical testing. Allele origin: germline.
Comment: This variant is classified as benign based on ACMG/AMP sequence variant interpretation guidelines (Richards et al. 2015 PMID: 25741868, with internal and published modifications).

NM_002839.4(PTPRD):c.2427T>A (p.Gly809=)

Gene: PTPRD (protein tyrosine phosphatase receptor type D; minus strand). Cytogenetic location: 9p24.1.
Variant type: single nucleotide variant.
Coding change: c.2427T>A on transcript NM_002839.4 (MANE Select); coding-DNA position 2427, T replaced by A.
Protein change: p.Gly809=; no amino-acid change (glycine 809 retained).
Molecular consequence: synonymous variant. On other transcripts: intron variant (7).
Genome position (GRCh38, 1-based): chr9:8,492,902, A>T on the plus strand (T>A on the coding strand, the complement: PTPRD is on the minus strand). VCF-style: chr9-8492902-A-T. GRCh37 (hg19) VCF-style: chr9-8492902-A-T.
Other names: c.2427T>A, p.Gly809= (NM_001377958.1, NM_001378058.1); c.1793-7578T>A (NM_001171025.2); c.1805-7578T>A (NM_001377946.1); c.1814-7575T>A (NM_001377947.1); c.1823-7578T>A (NM_130391.4, NM_130392.3); c.1814-7578T>A (NM_001040712.2); c.1805-7575T>A (NM_130393.3).
Identifiers: ClinVar variation 3038113 (VCV003038113.2), dbSNP rs12346849, ClinGen allele CA4984156.